The following is an entry in ClinVar:

NM_004370.6(COL12A1):c.1841A>C (p.Gln614Pro)

Gene: COL12A1 (collagen type XII alpha 1 chain; minus strand). Cytogenetic location: 6q13.
Variant type: single nucleotide variant.
Coding change: c.1841A>C on transcript NM_004370.6 (MANE Select); coding-DNA position 1841, A replaced by C.
Protein change: p.Gln614Pro; replaces glutamine 614 with proline.
Molecular consequence: missense variant. On other transcripts: intron variant (1).
Genome position (GRCh38, 1-based): chr6:75,183,100, T>G on the plus strand (A>C on the coding strand, the complement: COL12A1 is on the minus strand). VCF-style: chr6-75183100-T-G. GRCh37 (hg19) VCF-style: chr6-75892816-T-G.
Other names: c.73+19620A>C (NM_080645.3); short protein forms Q614P.
Identifiers: ClinVar variation 664154 (VCV000664154.7), dbSNP rs1202194413, ClinGen allele CA364768498.

ClinVar aggregate classification (germline): Uncertain significance (1 of 4 stars; one submission).

Conditions:
Ullrich congenital muscular dystrophy 2 (UCMD2). Identifiers: Orphanet 75840, MedGen C4225314, MONDO:0014654, OMIM 616470.
Bethlem myopathy 2 (BTHLM2). Identifiers: Orphanet 536516, Orphanet 610, MedGen C4225313, MONDO:0034022, OMIM 616471.

Allele frequency attached by ClinVar (database versions not stated): gnomAD 0.00001.
gnomAD v4.1: 5 of 1,614,062 alleles (0.00031%); highest among the groups gnomAD compares: Admixed American, 0.0017%; no homozygotes.

Submission:

Labcorp Genetics (formerly Invitae), Labcorp
Classification: Uncertain significance for Bethlem myopathy 2; Ullrich congenital muscular dystrophy 2. Last evaluated: 2022-06-10. Review status: criteria provided, single submitter. Criteria: Invitae Variant Classification Sherloc (09022015). Collection method: clinical testing. Allele origin: germline.
Comment: In summary, the available evidence is currently insufficient to determine the role of this variant in disease. Therefore, it has been classified as a Variant of Uncertain Significance. Algorithms developed to predict the effect of missense changes on protein structure and function are either unavailable or do not agree on the potential impact of this missense change (SIFT: "Deleterious"; PolyPhen-2: "Probably Damaging"; Align-GVGD: "Class C0"). ClinVar contains an entry for this variant (Variation ID: 664154). This variant has not been reported in the literature in individuals affected with COL12A1-related conditions. This variant is not present in population databases (gnomAD no frequency). This sequence change replaces glutamine, which is neutral and polar, with proline, which is neutral and non-polar, at codon 614 of the COL12A1 protein (p.Gln614Pro).